The following is an entry in ClinVar:

NC_000001.11:g.(?_21575723)_(21575934_?)del

Gene: ALPL (alkaline phosphatase, biomineralization associated; plus strand). Cytogenetic location: 1p36.12.
Variant type: Deletion.
Identifiers: ClinVar variation 665051 (VCV000665051.4).

ClinVar aggregate classification (germline): Likely pathogenic (1 of 4 stars; one submission).

Submission:

Labcorp Genetics (formerly Invitae), Labcorp
Classification: Likely pathogenic. Last evaluated: 2021-11-10. Review status: criteria provided, single submitter. Criteria: Invitae Variant Classification Sherloc (09022015). Collection method: clinical testing. Allele origin: germline.
Comment: This variant is a gross deletion of the genomic region encompassing exon(s) 10 of the ALPL gene. This variant would be expected to be in-frame, preserving the integrity of the reading frame. This variant has not been reported in the literature in individuals affected with ALPL-related conditions. Experimental studies and prediction algorithms are not available or were not evaluated, and the functional significance of this variant is currently unknown. This variant disrupts the p.Asp378 amino acid residue in ALPL. Other variant(s) that disrupt this residue have been determined to be pathogenic (PMID: 1409720, 10508980, 17213282, 17922851, 19335222, 19500388, 21713987, 25731960, 28580391). This suggests that this residue is clinically significant, and that variants that disrupt this residue are likely to be disease-causing. In summary, the currently available evidence indicates that the variant is pathogenic, but additional data are needed to prove that conclusively. Therefore, this variant has been classified as Likely Pathogenic.

Literature cited by the submitters: PubMed 1409720; PubMed 10508980; PubMed 17213282; PubMed 17922851; PubMed 19335222; PubMed 19500388; PubMed 21713987; PubMed 25731960; PubMed 28580391.